The following is an entry in ClinVar:

ClinVar aggregate classification (germline): Likely benign (1 of 4 stars; one submission).

Allele frequency attached by ClinVar (database versions not stated): 1000 Genomes Project 0.00379; 1000 Genomes Project 30x 0.00406; gnomAD 0.00433; TOPMed 0.00512.
gnomAD v4.1: 1,314 of 1,556,752 alleles (0.084%); highest among the groups gnomAD compares: African/African-American, 1.6%; 7 homozygotes.

Submission:

GeneDx
Classification: Likely benign. Last evaluated: 2021-04-29. Review status: criteria provided, single submitter. Criteria: GeneDx Variant Classification Process June 2021. Collection method: clinical testing. Allele origin: germline. Affected: yes.
Comment: See Variant Classification Assertion Criteria.

NM_001382567.1(STIM1):c.791+75C>G

Gene: STIM1 (stromal interaction molecule 1; plus strand). Cytogenetic location: 11p15.4.
Variant type: single nucleotide variant.
Coding change: c.791+75C>G on transcript NM_001382567.1 (MANE Select); 75 bases into the intron after coding-DNA position 791, C replaced by G.
Molecular consequence: intron variant.
Genome position (GRCh38, 1-based): chr11:4,070,278, C>G. VCF-style: chr11-4070278-C-G. GRCh37 (hg19) VCF-style: chr11-4091508-C-G.
Other names: c.569+75C>G (NM_001382578.1, NM_001382575.1, NM_001382576.1 and 5 more transcripts); c.302+75C>G (NM_001382580.1, NM_001382581.1); c.791+75C>G (NM_001382568.1, NM_001277962.2, NM_003156.4 and 2 more transcripts); c.563+75C>G (NM_001382570.1); c.656+75C>G (NM_001382569.1); c.311+75C>G (NM_001382571.1).
Identifiers: ClinVar variation 1706650 (VCV001706650.2), dbSNP rs191404949, ClinGen allele CA216525162.